The following is an entry in ClinVar:

ClinVar aggregate classification (germline): Likely benign (1 of 4 stars; one submission).

gnomAD v4.1: 1 of 1,613,852 alleles (0.000062%); highest among the groups gnomAD compares: Non-Finnish European, 0.000085%; no homozygotes.

Submission:

Women's Health and Genetics/Laboratory Corporation of America, LabCorp
Classification: Likely benign. Last evaluated: 2025-02-24. Review status: criteria provided, single submitter. Criteria: LabCorp Variant Classification Summary - May 2015. Collection method: clinical testing. Allele origin: germline.
Comment: Variant summary: MYH6 c.1003-9C>G alters a non-conserved nucleotide located at a position not widely known to affect splicing. Consensus agreement among computation tools predict no significant impact on normal splicing. However, these predictions have yet to be confirmed by functional studies. The variant was absent in 251312 control chromosomes. The available data on variant occurrences in the general population are insufficient to allow any conclusion about variant significance. To our knowledge, no occurrence of c.1003-9C>G in individuals affected with Cardiomyopathy and no experimental evidence demonstrating its impact on protein function have been reported. No submitters have cited clinical-significance assessments for this variant to ClinVar. Based on the evidence outlined above, the variant was classified as likely benign.

NM_002471.4(MYH6):c.1003-9C>G

Gene: MYH6 (myosin heavy chain 6; minus strand). Cytogenetic location: 14q11.2.
Variant type: single nucleotide variant.
Coding change: c.1003-9C>G on transcript NM_002471.4 (MANE Select); 9 bases into the intron before coding-DNA position 1003, C replaced by G.
Molecular consequence: intron variant.
Genome position (GRCh38, 1-based): chr14:23,402,611, G>C on the plus strand (C>G on the coding strand, the complement: MYH6 is on the minus strand). VCF-style: chr14-23402611-G-C. GRCh37 (hg19) VCF-style: chr14-23871820-G-C.
Identifiers: ClinVar variation 3768875 (VCV003768875.1).
Genomic context (GRCh38, chr14:23,402,611, plus strand): 5'-TGTAGACGCCAGCTTTCTCCTCTGAAGTGAAGCCCAGCACGTCAAAGGCACTCTGGGACA[G>C]AGCGAGAGACAAAGAGGGGGGTTGGAGCGGTGGCCCCAGGAGCTCCTGGGGTCCCTCGAA-3'